The following is an entry in ClinVar:

NM_000368.5(TSC1):c.687T>G (p.Ile229Met)

Gene: TSC1 (TSC complex subunit 1; minus strand). Cytogenetic location: 9q34.13.
Variant type: single nucleotide variant.
Coding change: c.687T>G on transcript NM_000368.5 (MANE Select); coding-DNA position 687, T replaced by G.
Protein change: p.Ile229Met; replaces isoleucine 229 with methionine.
Molecular consequence: missense variant. On other transcripts: intron variant (4), 5 prime UTR variant (1), non-coding transcript variant (5).
Genome position (GRCh38, 1-based): chr9:132,921,413, A>C on the plus strand (T>G on the coding strand, the complement: TSC1 is on the minus strand). VCF-style: chr9-132921413-A-C. GRCh37 (hg19) VCF-style: chr9-135796800-A-C.
Other names: c.687T>G, p.Ile229Met (NM_001162426.2, NM_001406592.1, NM_001406593.1 and 16 more transcripts); c.534T>G, p.Ile178Met (NM_001162427.2, NM_001406612.1, NM_001406613.1 and 2 more transcripts); c.324T>G, p.Ile108Met (NM_001362177.2, NM_001406614.1, NM_001406615.1 and 10 more transcripts); c.-357+406T>G (NM_001406629.1); c.-215+406T>G (NM_001406628.1, NM_001406626.1, NM_001406627.1); c.-407T>G (NM_001406630.1); short protein forms I108M, I178M, I229M.
Identifiers: ClinVar variation 4866007 (VCV004866007.1).

ClinVar aggregate classification (germline): Uncertain significance (1 of 4 stars; one submission).

Conditions:
Hereditary cancer-predisposing syndrome. Also called: Neoplastic Syndromes, Hereditary; Tumor predisposition; Hereditary Cancer Syndrome; Hereditary neoplastic syndrome. Identifiers: Orphanet 140162, MedGen C0027672, MeSH D009386, MONDO:0015356.

Submission:

Ambry Genetics
Classification: Uncertain significance for Hereditary cancer-predisposing syndrome. Last evaluated: 2026-05-13. Review status: criteria provided, single submitter. Criteria: Ambry Variant Classification Scheme 2023. Collection method: clinical testing. Allele origin: germline.
Comment: The p.I229M variant (also known as c.687T>G), located in coding exon 6 of the TSC1 gene, results from a T to G substitution at nucleotide position 687. The isoleucine at codon 229 is replaced by methionine, an amino acid with highly similar properties. This amino acid position is well conserved in available vertebrate species. In addition, the in silico prediction for this alteration is inconclusive. Based on the available evidence, the clinical significance of this variant remains unclear.